The following is an entry in ClinVar:

ClinVar aggregate classification (germline): Uncertain significance (1 of 4 stars; one submission).

Submission:

GeneDx
Classification: Uncertain significance. Last evaluated: 2023-01-18. Review status: criteria provided, single submitter. Criteria: GeneDx Variant Classification Process June 2021. Collection method: clinical testing. Allele origin: germline. Affected: yes.
Comment: Not observed at significant frequency in large population cohorts (gnomAD); In silico analysis supports that this missense variant does not alter protein structure/function; Has not been previously published as pathogenic or benign to our knowledge

NM_001367479.1(DNAH14):c.5534A>T (p.Gln1845Leu)

Gene: DNAH14 (dynein axonemal heavy chain 14; plus strand). Cytogenetic location: 1q42.12.
Variant type: single nucleotide variant.
Coding change: c.5534A>T on transcript NM_001367479.1 (MANE Select); coding-DNA position 5534, A replaced by T.
Protein change: p.Gln1845Leu; replaces glutamine 1845 with leucine.
Molecular consequence: missense variant.
Genome position (GRCh38, 1-based): chr1:225,168,027, A>T. VCF-style: chr1-225168027-A-T. GRCh37 (hg19) VCF-style: chr1-225355729-A-T.
Other names: NM_001373.1:c.5468A>T; short protein forms Q1845L.
Identifiers: ClinVar variation 2573684 (VCV002573684.1), dbSNP rs2530767382, ClinGen allele CA344991483.
Genomic context (GRCh38, chr1:225,168,027, plus strand): 5'-TGGGTTTACAAAACTGGTCATCTCAGAAAGAGAAGATTATACAGTTTTATAATCAACTTC[A>T]GGTAAGTATAAAATGGCATGTTAGCAATCCTTTGCCTGTATTTCAATAGGAATTAATAAA-3'
Protein context (NP_001354408.1, residues 1835-1855): EKIIQFYNQL[Gln1845Leu]VCVGVMLVGP